The following is an entry in ClinVar:

ClinVar aggregate classification (germline): Likely benign. Review status: criteria provided, multiple submitters, no conflicts (2 of 4 stars). 2 submissions from 2 submitters: Likely benign (2). Last evaluated 2026-01-21.

Conditions:
Ehlers-Danlos syndrome, type 4 (EDSVASC). Also called: Ehlers-Danlos Syndrome Type IV; Ehlers-Danlos syndrome vascular type; Ehlers Danlos syndrome, ecchymotic type; Ehlers Danlos syndrome, arterial type; Ehlers Danlos syndrome, Sack-Barabas type. Identifiers: Orphanet 286, MedGen C0268338, MONDO:0017314, OMIM 130050.

Submissions (2):

Labcorp Genetics (formerly Invitae), Labcorp
Classification: Likely benign for Ehlers-Danlos syndrome, type 4. Last evaluated: 2026-01-21. Review status: criteria provided, single submitter. Criteria: Invitae Variant Classification Sherloc (09022015). Collection method: clinical testing. Allele origin: germline.

Women's Health and Genetics/Laboratory Corporation of America, LabCorp
Classification: Likely benign. Last evaluated: 2023-12-27. Review status: criteria provided, single submitter. Criteria: LabCorp Variant Classification Summary - May 2015. Collection method: clinical testing. Allele origin: germline.
Comment: Variant summary: COL3A1 c.4011+10delG alters a non-conserved nucleotide located at a position not widely known to affect splicing. Consensus agreement among computation tools predict no significant impact on normal splicing. However, these predictions have yet to be confirmed by functional studies. The variant allele was found at a frequency of 4e-06 in 251250 control chromosomes (gnomAD). The available data on variant occurrences in the general population are insufficient to allow any conclusion about variant significance. To our knowledge, no occurrence of c.4011+10delG in individuals affected with Aortopathy or Ehlers-Danlos Syndrome and no experimental evidence demonstrating its impact on protein function have been reported. No submitters have cited clinical-significance assessments for this variant to ClinVar after 2014. Based on the evidence outlined above, the variant was classified as likely benign.

NM_000090.4(COL3A1):c.4011+10del

Gene: COL3A1 (collagen type III alpha 1 chain; plus strand). Cytogenetic location: 2q32.2.
Variant type: Deletion.
Coding change: c.4011+10del on transcript NM_000090.4 (MANE Select); 10 bases into the intron after coding-DNA position 4011, one base deleted (G; older notation c.4011+10delG).
Molecular consequence: intron variant.
Genome position (GRCh38, 1-based): chr2:189,010,375, G deleted; the last of 2 consecutive G bases (chr2:189,010,374-189,010,375); deleting either gives the same sequence. VCF-style (leftmost placement, unchanged base first): chr2-189010373-AG-A. GRCh37 (hg19) VCF-style: chr2-189875099-AG-A.
Other names: c.4011+10delG (NM_000090.4).
Identifiers: ClinVar variation 2691419 (VCV002691419.2), dbSNP rs945978481, ClinGen allele CA62564024.